The following is an entry in ClinVar:

ClinVar aggregate classification (germline): Uncertain significance. Review status: criteria provided, multiple submitters, no conflicts (2 of 4 stars). 3 submissions from 3 submitters: Uncertain significance (3). Last evaluated 2026-03-19.

Conditions:
Hereditary cancer-predisposing syndrome. Also called: Tumor predisposition; Hereditary Cancer Syndrome; Hereditary neoplastic syndrome; Neoplastic Syndromes, Hereditary. Identifiers: Orphanet 140162, MedGen C0027672, MeSH D009386, MONDO:0015356.
Hereditary breast ovarian cancer syndrome. Also called: Hereditary breast and ovarian cancer syndrome (HBOC); Breast and ovarian cancer; Hereditary breast and ovarian cancer; Hereditary breast and ovarian cancer syndrome; BRCA1- and BRCA2-Associated Hereditary Breast and Ovarian Cancer; Hereditary breast and/or ovarian cancer syndrome. Identifiers: Orphanet 145, MedGen C0677776, MeSH D061325, MONDO:0003582. Disease mechanism: loss of function.

Allele frequency attached by ClinVar (database versions not stated): gnomAD exomes below 0.00001.
gnomAD v4.1: 1 of 1,614,202 alleles (0.000062%); highest among the groups gnomAD compares: South Asian, 0.0011%; no homozygotes.

Submissions (3):

Women's Health and Genetics/Laboratory Corporation of America, LabCorp
Classification: Uncertain significance. Last evaluated: 2026-03-19. Review status: criteria provided, single submitter. Criteria: LabCorp Variant Classification Summary - May 2015. Collection method: clinical testing. Allele origin: germline.

Ambry Genetics
Classification: Uncertain significance for Hereditary cancer-predisposing syndrome. Last evaluated: 2023-11-01. Review status: criteria provided, single submitter. Criteria: Ambry Variant Classification Scheme 2023. Collection method: clinical testing. Allele origin: germline.
Comment: The p.E1415K variant (also known as c.4243G>A), located in coding exon 11 of the BRCA1 gene, results from a G to A substitution at nucleotide position 4243. The glutamic acid at codon 1415 is replaced by lysine, an amino acid with similar properties. This amino acid position is highly conserved in available vertebrate species. In addition, the in silico prediction for this alteration is inconclusive. Since supporting evidence is limited at this time, the clinical significance of this alteration remains unclear.

Labcorp Genetics (formerly Invitae), Labcorp
Classification: Uncertain significance for Hereditary breast ovarian cancer syndrome. Last evaluated: 2019-10-20. Review status: criteria provided, single submitter. Criteria: Invitae Variant Classification Sherloc (09022015). Collection method: clinical testing. Allele origin: germline.
Comment: This variant has not been reported in the literature in individuals with BRCA1-related conditions. ClinVar contains an entry for this variant (Variation ID: 462639). This sequence change replaces glutamic acid with lysine at codon 1415 of the BRCA1 protein (p.Glu1415Lys). The glutamic acid residue is highly conserved and there is a small physicochemical difference between glutamic acid and lysine. This variant is not present in population databases (ExAC no frequency). In summary, the available evidence is currently insufficient to determine the role of this variant in disease. Therefore, it has been classified as a Variant of Uncertain Significance. Algorithms developed to predict the effect of missense changes on protein structure and function (SIFT, PolyPhen-2, Align-GVGD) all suggest that this variant is likely to be tolerated, but these predictions have not been confirmed by published functional studies and their clinical significance is uncertain.

NM_007294.4(BRCA1):c.4243G>A (p.Glu1415Lys)

Gene: BRCA1 (BRCA1 DNA repair associated; minus strand). Cytogenetic location: 17q21.31.
Variant type: single nucleotide variant.
Coding change: c.4243G>A on transcript NM_007294.4 (MANE Select); coding-DNA position 4243, G replaced by A.
Protein change: p.Glu1415Lys; replaces glutamic acid 1415 with lysine.
Molecular consequence: missense variant. On other transcripts: non-coding transcript variant (1).
Genome position (GRCh38, 1-based): chr17:43,082,518, C>T on the plus strand (G>A on the coding strand, the complement: BRCA1 is on the minus strand). VCF-style: chr17-43082518-C-T. GRCh37 (hg19) VCF-style: chr17-41234535-C-T.
Other names: c.4030G>A, p.Glu1344Lys (NM_001407571.1, NM_001407853.1, NM_001407894.1 and 12 more transcripts); c.4243G>A, p.Glu1415Lys (NM_001407581.1, NM_001407582.1, NM_001407583.1 and 23 more transcripts); c.4240G>A, p.Glu1414Lys (NM_001407587.1, NM_001407590.1, NM_001407591.1 and 21 more transcripts); c.4237G>A, p.Glu1413Lys (NM_001407644.1, NM_001407627.1, NM_001407628.1 and 5 more transcripts); c.4165G>A, p.Glu1389Lys (NM_001407657.1, NM_001407658.1, NM_001407653.1 and 2 more transcripts); c.4159G>A, p.Glu1387Lys (NM_001407659.1, NM_001407660.1); c.4162G>A, p.Glu1388Lys (NM_001407661.1, NM_001407662.1, NM_001407663.1 and 1 more transcripts); c.4120G>A, p.Glu1374Lys (NM_001407664.1, NM_001407665.1, NM_001407677.1 and 13 more transcripts); and 51 more; short protein forms E1415K, E312K, E1368K, E1287K, E1344K, E1345K, E1366K, E1389K.
Identifiers: ClinVar variation 462639 (VCV000462639.15), dbSNP rs1057519558, ClinGen allele CA10593237.